The following is an entry in ClinVar:

NM_006206.6(PDGFRA):c.1499G>A (p.Arg500Gln)

Gene: PDGFRA (platelet derived growth factor receptor alpha; plus strand). Cytogenetic location: 4q12.
Variant type: single nucleotide variant.
Coding change: c.1499G>A on transcript NM_006206.6 (MANE Select); coding-DNA position 1499, G replaced by A.
Protein change: p.Arg500Gln; replaces arginine 500 with glutamine.
Molecular consequence: missense variant.
Genome position (GRCh38, 1-based): chr4:54,273,671, G>A. VCF-style: chr4-54273671-G-A. GRCh37 (hg19) VCF-style: chr4-55139838-G-A.
Other names: c.1499G>A, p.Arg500Gln (NM_001347827.2, NM_001347829.2); c.1574G>A, p.Arg525Gln (NM_001347828.2); c.1538G>A, p.Arg513Gln (NM_001347830.2); short protein forms R500Q, R513Q, R525Q.
Identifiers: ClinVar variation 579273 (VCV000579273.10), dbSNP rs1308521786, ClinGen allele CA356892689.

ClinVar aggregate classification (germline): Uncertain significance. Review status: criteria provided, multiple submitters, no conflicts (2 of 4 stars). 2 submissions from 2 submitters: Uncertain significance (2). Last evaluated 2025-11-27.

Conditions:
Gastrointestinal stromal tumor. Also called: Gastrointestinal stromal tumor, somatic; Gastrointestinal stroma tumor. Identifiers: Orphanet 44890, MedGen C0238198, MeSH D046152, MONDO:0011719, OMIM 606764, HP:0100723.
Hereditary cancer-predisposing syndrome. Also called: Hereditary Cancer Syndrome; Tumor predisposition; Neoplastic Syndromes, Hereditary; Hereditary neoplastic syndrome. Identifiers: Orphanet 140162, MedGen C0027672, MeSH D009386, MONDO:0015356.

Allele frequency attached by ClinVar (database versions not stated): gnomAD exomes below 0.00001; TOPMed below 0.00001; gnomAD 0.00001.
gnomAD v4.1: 4 of 1,613,932 alleles (0.00025%); highest among the groups gnomAD compares: Non-Finnish European, 0.00034%; no homozygotes.

Submissions (2):

Labcorp Genetics (formerly Invitae), Labcorp
Classification: Uncertain significance for Gastrointestinal stromal tumor. Last evaluated: 2025-11-27. Review status: criteria provided, single submitter. Criteria: Invitae Variant Classification Sherloc (09022015). Collection method: clinical testing. Allele origin: germline.
Comment: This sequence change replaces arginine, which is basic and polar, with glutamine, which is neutral and polar, at codon 500 of the PDGFRA protein (p.Arg500Gln). This variant is not present in population databases (gnomAD no frequency). This variant has not been reported in the literature in individuals affected with PDGFRA-related conditions. ClinVar contains an entry for this variant (Variation ID: 579273). Invitae Evidence Modeling of protein sequence and biophysical properties (such as structural, functional, and spatial information, amino acid conservation, physicochemical variation, residue mobility, and thermodynamic stability) indicates that this missense variant is not expected to disrupt PDGFRA protein function with a negative predictive value of 80%. In summary, the available evidence is currently insufficient to determine the role of this variant in disease. Therefore, it has been classified as a Variant of Uncertain Significance.

Ambry Genetics
Classification: Uncertain significance for Hereditary cancer-predisposing syndrome. Last evaluated: 2024-03-10. Review status: criteria provided, single submitter. Criteria: Ambry Variant Classification Scheme 2023. Collection method: clinical testing. Allele origin: germline.
Comment: The p.R500Q variant (also known as c.1499G>A), located in coding exon 9 of the PDGFRA gene, results from a G to A substitution at nucleotide position 1499. The arginine at codon 500 is replaced by glutamine, an amino acid with highly similar properties. This amino acid position is highly conserved in available vertebrate species. In addition, this alteration is predicted to be deleterious by in silico analysis. Since supporting evidence is limited at this time, the clinical significance of this alteration remains unclear.